The following is an entry in ClinVar:

ClinVar aggregate classification (germline): Uncertain significance (1 of 4 stars; one submission).

Conditions:
MRAP2-related disorder. Also called: MRAP2-related condition.

Submission:

PreventionGenetics, part of Exact Sciences
Classification: Uncertain significance for MRAP2-related condition. Last evaluated: 2025-06-13. Review status: criteria provided, single submitter. Criteria: ACMG Guidelines, 2015. Collection method: clinical testing. Allele origin: germline.
Comment: The MRAP2 c.333G>C variant is predicted to result in the amino acid substitution p.Glu111Asp. To our knowledge, this variant has not been reported in the literature or in a large population database (gnomAD), indicating this variant is rare. At this time, the clinical significance of this variant is uncertain due to the absence of conclusive functional and genetic evidence.

NM_138409.4(MRAP2):c.333G>C (p.Glu111Asp)

Gene: MRAP2 (melanocortin 2 receptor accessory protein 2; plus strand). Cytogenetic location: 6q14.2.
Variant type: single nucleotide variant.
Coding change: c.333G>C on transcript NM_138409.4 (MANE Select); coding-DNA position 333, G replaced by C.
Protein change: p.Glu111Asp; replaces glutamic acid 111 with aspartic acid.
Molecular consequence: missense variant.
Genome position (GRCh38, 1-based): chr6:84,089,196, G>C. VCF-style: chr6-84089196-G-C. GRCh37 (hg19) VCF-style: chr6-84798915-G-C.
Other names: c.75G>C, p.Glu25Asp (NM_001346541.2); c.333G>C, p.Glu111Asp (NM_001346542.2, NM_001346544.2); c.168G>C, p.Glu56Asp (NM_001346543.2); short protein forms E25D, E111D, E56D.
Identifiers: ClinVar variation 4997622 (VCV004997622.1).